The following is an entry in ClinVar:

NM_006891.4(CRYGD):c.236G>A (p.Cys79Tyr)

Genes: CRYGD (crystallin gamma D; minus strand), LOC100507443 (uncharacterized LOC100507443; plus strand). Cytogenetic location: 2q33.3.
Variant type: single nucleotide variant.
Coding change: c.236G>A on transcript NM_006891.4 (MANE Select); coding-DNA position 236, G replaced by A.
Protein change: p.Cys79Tyr; replaces cysteine 79 with tyrosine.
Molecular consequence: missense variant.
Genome position (GRCh38, 1-based): chr2:208,124,128, C>T on the plus strand (G>A on the coding strand, the complement: CRYGD is on the minus strand). VCF-style: chr2-208124128-C-T. GRCh37 (hg19) VCF-style: chr2-208988852-C-T.
Other names: short protein forms C79Y.
Identifiers: ClinVar variation 2633209 (VCV002633209.1), dbSNP rs2469110980, ClinGen allele CA350092484.

ClinVar aggregate classification (germline): Uncertain significance (1 of 4 stars; one submission).

Conditions:
CRYGD-related disorder. Also called: CRYGD-related condition.

Submission:

PreventionGenetics, part of Exact Sciences
Classification: Uncertain significance for CRYGD-related condition. Last evaluated: 2023-05-22. Review status: criteria provided, single submitter. Criteria: ACMG Guidelines, 2015. Collection method: clinical testing. Allele origin: germline.
Comment: The CRYGD c.236G>A variant is predicted to result in the amino acid substitution p.Cys79Tyr. To our knowledge, this variant has not been reported in the literature or in a large population database, indicating this variant is rare. At this time, the clinical significance of this variant is uncertain due to the absence of conclusive functional and genetic evidence.